The following is an entry in ClinVar:

NM_001190737.2(NFIB):c.377_378del (p.Lys126fs)

Gene: NFIB (nuclear factor I B; minus strand). Cytogenetic location: 9p22.3.
Variant type: Deletion.
Coding change: c.377_378del on transcript NM_001190737.2 (MANE Select); coding-DNA positions 377 to 378, 2 bases deleted (AA; older notation c.377_378delAA).
Protein change: p.Lys126fs; shifts the reading frame from lysine 126.
Molecular consequence: frameshift variant. On other transcripts: intron variant (3).
Genome position (GRCh38, 1-based): chr9:14,307,173-14,307,174, TT deleted on the plus strand (AA on the coding strand, the reverse complement: NFIB is on the minus strand); deleting any 2 consecutive bases within chr9:14,307,173-14,307,175 gives the same sequence; the c. name uses the placement nearest the transcript's 3' end. VCF-style (leftmost placement, unchanged base first): chr9-14307172-CTT-C. GRCh37 (hg19) VCF-style: chr9-14307171-CTT-C.
Other names: c.455_456del, p.Lys152fs (NM_001190738.2); c.443_444del, p.Lys148fs (NM_001369458.1, NM_001369459.1, NM_001369462.1 and 1 more transcripts); c.365_366del, p.Lys122fs (NM_001369460.1, NM_001369463.1, NM_001369466.1 and 2 more transcripts); c.377_378del, p.Lys126fs (NM_001369461.1, NM_001369464.1, NM_001369471.1 and 3 more transcripts); c.350_351del, p.Lys117fs (NM_001369465.1, NM_001369467.1, NM_001369476.1); c.233_234del, p.Lys78fs (NM_001369469.1); c.362_363del, p.Lys121fs (NM_001369474.1); c.325+40_325+41del (NM_001369478.1, NM_001369470.1); and 1 more; short protein forms K117fs, K121fs, K122fs, K126fs, K148fs, K152fs, K78fs.
Identifiers: ClinVar variation 3067743 (VCV003067743.21), dbSNP rs2538992242, ClinGen allele CA2825001623.
Genomic context (GRCh38, chr9:14,307,172, plus strand): 5'-CGGTACTTTCCAAGGGGATGCCTTTGAACAGGATCACCATGACTAGATCCAGACGCCAGA[CTT>C]TGTCTGCCTGTCGCAGGCAGTCGATTCTCCTAATCTTACCCTTCTGGTCGGGATTGGATA-3'

ClinVar aggregate classification (germline): Likely pathogenic (1 of 4 stars; one submission).

Submission:

CeGaT Center for Human Genetics Tuebingen
Classification: Likely pathogenic. Last evaluated: 2024-08-01. Review status: criteria provided, single submitter. Criteria: CeGaT Center For Human Genetics Tuebingen Variant Classification Criteria Version 2. Collection method: clinical testing. Allele origin: germline. Affected: yes. Observed: 1 variant allele.
Comment: NFIB: PVS1:Strong, PM2, PS2:Moderate